The following is an entry in ClinVar:

NM_021075.4(NDUFV3):c.10C>T (p.Pro4Ser)

Gene: NDUFV3 (NADH:ubiquinone oxidoreductase subunit V3; plus strand). Cytogenetic location: 21q22.3.
Variant type: single nucleotide variant.
Coding change: c.10C>T on transcript NM_021075.4 (MANE Select); coding-DNA position 10, C replaced by T.
Protein change: p.Pro4Ser; replaces proline 4 with serine.
Molecular consequence: missense variant.
Genome position (GRCh38, 1-based): chr21:42,893,343, C>T. VCF-style: chr21-42893343-C-T. GRCh37 (hg19) VCF-style: chr21-44313453-C-T.
Other names: c.10C>T, p.Pro4Ser (NM_001001503.2); short protein forms P4S.
Identifiers: ClinVar variation 3034982 (VCV003034982.2), dbSNP rs573166856, ClinGen allele CA10046367.
Genomic context (GRCh38, chr21:42,893,343, plus strand): 5'-GGTGCGCGCGCAGCTGCTGTGGCCCTGCTTGGTGCGCCCGCTGTCACCGCCATGGCTGCC[C>T]CGTGTTTGCTGCGGCAAGGACGAGCCGGGGCGCTGAAGGTAAAGGAGGAGCCAGCCTGGG-3'
Protein context (NP_066553.3, residues 1-14): MAA[Pro4Ser]CLLRQGRAGA

ClinVar aggregate classification (germline): Likely benign (0 of 4 stars; one submission).

Conditions:
NDUFV3-related disorder. Also called: NDUFV3-related condition.

Allele frequency attached by ClinVar (database versions not stated): 1000 Genomes Project 0.00040; 1000 Genomes Project 30x 0.00047; gnomAD 0.00104.
gnomAD v4.1: 307 of 1,538,506 alleles (0.02%); highest among the groups gnomAD compares: African/African-American, 0.34%; no homozygotes.

Submission:

PreventionGenetics, part of Exact Sciences
Classification: Likely benign for NDUFV3-related condition. Last evaluated: 2022-03-09. Review status: no assertion criteria provided. Collection method: clinical testing. Allele origin: germline.
Comment: This variant is classified as likely benign based on ACMG/AMP sequence variant interpretation guidelines (Richards et al. 2015 PMID: 25741868, with internal and published modifications).